The following is an entry in ClinVar:

NM_058172.6(ANTXR2):c.*677C>T

Gene: ANTXR2 (ANTXR cell adhesion molecule 2; minus strand). Cytogenetic location: 4q21.21.
Variant type: single nucleotide variant.
Coding change: c.*677C>T on transcript NM_058172.6 (MANE Select); 677 bases downstream of the stop codon, C replaced by T.
Molecular consequence: 3 prime UTR variant.
Genome position (GRCh38, 1-based): chr4:79,906,752, G>A on the plus strand (C>T on the coding strand, the complement: ANTXR2 is on the minus strand). VCF-style: chr4-79906752-G-A. GRCh37 (hg19) VCF-style: chr4-80827906-G-A.
Other names: c.*677C>T (NM_001286780.2, NM_001286781.2).
Identifiers: ClinVar variation 904742 (VCV000904742.4), dbSNP rs149404014, ClinGen allele CA100488582.

ClinVar aggregate classification (germline): Benign (1 of 4 stars; one submission).

Conditions:
Hyaline fibromatosis syndrome (HFS). Also called: Hyalinosis, Inherited Systemic; HYALINOSIS, SYSTEMIC. Identifiers: Orphanet 2028, Orphanet 498474, MedGen C5574677, MONDO:0009229, OMIM 228600.

Allele frequency attached by ClinVar (database versions not stated): 1000 Genomes Project 0.00978; 1000 Genomes Project 30x 0.01031; TOPMed 0.01703; gnomAD 0.01864 and 0.01921; gnomAD exomes 0.02664.
gnomAD v4.1: 2,847 of 152,660 alleles (1.9%); highest among the groups gnomAD compares: Admixed American, 3%; 35 homozygotes.

Submission:

Illumina Laboratory Services, Illumina
Classification: Benign for Hyaline fibromatosis syndrome. Last evaluated: 2018-01-12. Review status: criteria provided, single submitter. Criteria: ICSL Variant Classification Criteria 13 December 2019. Collection method: clinical testing. Allele origin: germline.
Comment: This variant was observed in the ICSL laboratory as part of a predisposition screen in an ostensibly healthy population. It had not been previously curated by ICSL or reported in the Human Gene Mutation Database (HGMD: prior to June 1st, 2018), and was therefore a candidate for classification through an automated scoring system. Utilizing variant allele frequency, disease prevalence and penetrance estimates, and inheritance mode, an automated score was calculated to assess if this variant is too frequent to cause the disease. Based on the score and internal cut-off values, a variant classified as benign is not then subjected to further curation. The score for this variant resulted in a classification of benign for this disease.